The following is an entry in ClinVar:

ClinVar aggregate classification (germline): Conflicting classifications of pathogenicity. Review status: criteria provided, conflicting classifications (1 of 4 stars). 3 submissions from 3 submitters: Uncertain significance (2); Likely benign (1). Last evaluated 2026-01-19.

Allele frequency attached by ClinVar (database versions not stated): gnomAD 0.00006; ESP Exome Variant Server 0.00008; 1000 Genomes Project 0.00020; TOPMed 0.00022; 1000 Genomes Project 30x 0.00031; ExAC 0.00049; gnomAD exomes 0.00061.
gnomAD v4.1: 312 of 1,614,156 alleles (0.019%); highest among the groups gnomAD compares: Admixed American, 0.28%; no homozygotes.

Submissions (3):

Labcorp Genetics (formerly Invitae), Labcorp
Classification: Likely benign. Last evaluated: 2026-01-19. Review status: criteria provided, single submitter. Criteria: Invitae Variant Classification Sherloc (09022015). Collection method: clinical testing. Allele origin: germline.

GeneDx
Classification: Uncertain significance. Last evaluated: 2025-12-10. Review status: criteria provided, single submitter. Criteria: GeneDx Variant Classification Process June 2021. Collection method: clinical testing. Allele origin: germline.
Comment: In silico analysis suggests that this missense variant does not alter protein structure/function; Has not been previously published as pathogenic or benign to our knowledge

Genetic Services Laboratory, University of Chicago
Classification: Uncertain significance. Last evaluated: 2016-09-15. Review status: criteria provided, single submitter. Criteria: ACMG Guidelines, 2015. Collection method: clinical testing. Allele origin: germline. Affected: no.

NM_020987.5(ANK3):c.4699G>A (p.Val1567Met)

Gene: ANK3 (ankyrin 3; minus strand). Cytogenetic location: 10q21.2.
Variant type: single nucleotide variant.
Coding change: c.4699G>A on transcript NM_020987.5 (MANE Select); coding-DNA position 4699, G replaced by A.
Protein change: p.Val1567Met; replaces valine 1567 with methionine.
Molecular consequence: missense variant. On other transcripts: intron variant (4).
Genome position (GRCh38, 1-based): chr10:60,076,182, C>T on the plus strand (G>A on the coding strand, the complement: ANK3 is on the minus strand). VCF-style: chr10-60076182-C-T. GRCh37 (hg19) VCF-style: chr10-61835940-C-T.
Other names: c.4387+4355G>A (NM_001204403.2); c.4408+4355G>A (NM_001204404.2); c.4405+4355G>A (NM_001320874.2); c.1807+4355G>A (NM_001149.4); short protein forms V1567M.
Identifiers: ClinVar variation 434171 (VCV000434171.16), dbSNP rs180798231, ClinGen allele CA5512127.
Genomic context (GRCh38, chr10:60,076,182, plus strand): 5'-GTGACACCACAGTTTTTATCGGCGAAGACATTGTCCGAAAGGATCTAATTGGAGATGCCA[C>T]GTCACTAATGGATTTAACTGAAGATGTAGTTGACGCGCCTAATGTGGATTTGATTGGAGA-3'
Protein context (NP_066267.2, residues 1557-1577): TTSSVKSISD[Val1567Met]ASPIRSFRTM